The following is an entry in ClinVar:

NM_003482.4(KMT2D):c.2532_2585del (p.Glu848_Glu865del)

Gene: KMT2D (lysine methyltransferase 2D; minus strand). Cytogenetic location: 12q13.12.
Variant type: Deletion.
Coding change: c.2532_2585del on transcript NM_003482.4 (MANE Select); coding-DNA positions 2532 to 2585, 54 bases deleted.
Protein change: p.Glu848_Glu865del.
Molecular consequence: inframe deletion.
Genome position (GRCh38, 1-based): chr12:49,051,098-49,051,151, 54 bases deleted. GRCh37 (hg19): chr12:49,444,890-49,444,943.
Other names: c.2532_2585del54 (NM_003482.3).
Identifiers: ClinVar variation 955617 (VCV000955617.43), dbSNP rs1565816105, ClinGen allele CA6548228.

ClinVar aggregate classification (germline): Likely benign. Review status: criteria provided, multiple submitters, no conflicts (2 of 4 stars). 4 submissions from 4 submitters: Likely benign (3). 1 of the submissions does not count toward it. Last evaluated 2025-12-19.

Conditions:
Kabuki syndrome. Also called: Kabuki make-up syndrome; NIIKAWA-KUROKI SYNDROME. Identifiers: Orphanet 2322, MedGen C0796004, MONDO:0016512.
KMT2D-related disorder. Also called: KMT2D-Related Disorders.

Submissions (4):

Labcorp Genetics (formerly Invitae), Labcorp
Classification: Likely benign for Kabuki syndrome. Last evaluated: 2025-12-19. Review status: criteria provided, single submitter. Criteria: Invitae Variant Classification Sherloc (09022015). Collection method: clinical testing. Allele origin: germline.

CeGaT Center for Human Genetics Tuebingen
Classification: Likely benign. Last evaluated: 2024-08-01. Review status: criteria provided, single submitter. Criteria: CeGaT Center For Human Genetics Tuebingen Variant Classification Criteria Version 2. Collection method: clinical testing. Allele origin: germline. Affected: yes. Observed: 4 variant alleles.
Comment: KMT2D: PM4, BS2

GeneDx
Classification: Likely benign. Last evaluated: 2021-04-12. Review status: criteria provided, single submitter. Criteria: GeneDx Variant Classification Process June 2021. Collection method: clinical testing. Allele origin: germline. Affected: yes.

PreventionGenetics, part of Exact Sciences
Classification: Likely benign for KMT2D-related condition. Last evaluated: 2024-06-04. Review status: no assertion criteria provided. Collection method: clinical testing. Allele origin: germline. Not counted in ClinVar's aggregate classification.
Comment: This variant is classified as likely benign based on ACMG/AMP sequence variant interpretation guidelines (Richards et al. 2015 PMID: 25741868, with internal and published modifications).